The following is an entry in ClinVar:

ClinVar aggregate classification (germline): Uncertain significance (1 of 4 stars; one submission).

gnomAD v4.1: 41 of 1,613,270 alleles (0.0025%); highest among the groups gnomAD compares: South Asian, 0.024%; no homozygotes.

Submission:

Labcorp Genetics (formerly Invitae), Labcorp
Classification: Uncertain significance. Last evaluated: 2024-12-23. Review status: criteria provided, single submitter. Criteria: Invitae Variant Classification Sherloc (09022015). Collection method: clinical testing. Allele origin: germline.
Comment: This sequence change falls in intron 5 of the NDUFAF7 gene. It does not directly change the encoded amino acid sequence of the NDUFAF7 protein. This variant is present in population databases (rs374762983, gnomAD 0.02%). This variant has not been reported in the literature in individuals affected with NDUFAF7-related conditions. Algorithms developed to predict the effect of sequence changes on RNA splicing suggest that this variant may disrupt the consensus splice site. In summary, the available evidence is currently insufficient to determine the role of this variant in disease. Therefore, it has been classified as a Variant of Uncertain Significance.

NM_144736.5(NDUFAF7):c.793-16A>G

Gene: NDUFAF7 (NADH:ubiquinone oxidoreductase complex assembly factor 7; plus strand). Cytogenetic location: 2p22.2.
Variant type: single nucleotide variant.
Coding change: c.793-16A>G on transcript NM_144736.5 (MANE Select); 16 bases into the intron before coding-DNA position 793, A replaced by G.
Molecular consequence: intron variant.
Genome position (GRCh38, 1-based): chr2:37,246,036, A>G. VCF-style: chr2-37246036-A-G. GRCh37 (hg19) VCF-style: chr2-37473179-A-G.
Other names: c.793-16A>G (NM_001350024.2); c.580-16A>G (NM_001350027.2); c.712-16A>G (NM_001350025.2); c.499-16A>G (NM_001083946.2).
Identifiers: ClinVar variation 3607847 (VCV003607847.2).